The following is an entry in ClinVar:

NM_001004051.4(GPRASP2):c.585G>C (p.Trp195Cys)

Genes: ARMCX5-GPRASP2 (ARMCX5-GPRASP2 readthrough; plus strand), GPRASP2 (G protein-coupled receptor associated sorting protein 2; plus strand). Cytogenetic location: Xq22.1.
Variant type: single nucleotide variant.
Coding change: c.585G>C on transcript NM_001004051.4 (MANE Select); coding-DNA position 585, G replaced by C.
Protein change: p.Trp195Cys; replaces tryptophan 195 with cysteine.
Molecular consequence: missense variant. On other transcripts: intron variant (3).
Genome position (GRCh38, 1-based): chrX:102,715,454, G>C. VCF-style: chrX-102715454-G-C. GRCh37 (hg19) VCF-style: chrX-101970382-G-C.
Other names: c.585G>C, p.Trp195Cys (NM_001199818.1, NM_001184874.3, NM_001184875.3 and 2 more transcripts); c.-820+1188G>C (NM_001350268.2); c.-752+1188G>C (NM_001350269.2); c.-721+1188G>C (NM_001350270.1); short protein forms W195C.
Identifiers: ClinVar variation 3049800 (VCV003049800.2), dbSNP rs372937088, ClinGen allele CA10476479.

ClinVar aggregate classification (germline): Likely benign (0 of 4 stars; one submission).

Conditions:
GPRASP2-related disorder. Also called: GPRASP2-related condition.

Allele frequency attached by ClinVar (database versions not stated): ExAC 0.00002; gnomAD exomes 0.00002; gnomAD 0.00013; ESP Exome Variant Server 0.00019; TOPMed 0.00019.
gnomAD v4.1: 38 of 1,210,846 alleles (0.0031%); highest among the groups gnomAD compares: African/African-American, 0.028%; no homozygotes.

Submission:

PreventionGenetics, part of Exact Sciences
Classification: Likely benign for GPRASP2-related condition. Last evaluated: 2023-09-22. Review status: no assertion criteria provided. Collection method: clinical testing. Allele origin: germline.
Comment: This variant is classified as likely benign based on ACMG/AMP sequence variant interpretation guidelines (Richards et al. 2015 PMID: 25741868, with internal and published modifications).